The following is an entry in ClinVar:

NM_138694.4(PKHD1):c.1102G>A (p.Glu368Lys)

Gene: PKHD1 (PKHD1 ciliary IPT domain containing fibrocystin/polyductin; minus strand). Cytogenetic location: 6p12.2.
Variant type: single nucleotide variant.
Coding change: c.1102G>A on transcript NM_138694.4 (MANE Select); coding-DNA position 1102, G replaced by A.
Protein change: p.Glu368Lys; replaces glutamic acid 368 with lysine.
Molecular consequence: missense variant.
Genome position (GRCh38, 1-based): chr6:52,062,535, C>T on the plus strand (G>A on the coding strand, the complement: PKHD1 is on the minus strand). VCF-style: chr6-52062535-C-T. GRCh37 (hg19) VCF-style: chr6-51927333-C-T.
Other names: c.1102G>A, p.Glu368Lys (NM_170724.3); short protein forms E368K.
Identifiers: ClinVar variation 1938610 (VCV001938610.3), dbSNP rs1808833152, ClinGen allele CA364428386.

ClinVar aggregate classification (germline): Uncertain significance (1 of 4 stars; one submission).

Conditions:
Autosomal recessive polycystic kidney disease (ARPKD). Also called: AR polycystic kidney disease. Identifiers: Orphanet 731, Orphanet 8378, MedGen C0085548, MeSH D017044, MONDO:0009889.

Allele frequency attached by ClinVar (database versions not stated): gnomAD 0.00001.
gnomAD v4.1: 1 of 1,613,984 alleles (0.000062%); highest among the groups gnomAD compares: African/African-American, 0.0013%; no homozygotes.

Submission:

Labcorp Genetics (formerly Invitae), Labcorp
Classification: Uncertain significance for Autosomal recessive polycystic kidney disease. Last evaluated: 2025-06-12. Review status: criteria provided, single submitter. Criteria: Invitae Variant Classification Sherloc (09022015). Collection method: clinical testing. Allele origin: germline.
Comment: This sequence change replaces glutamic acid, which is acidic and polar, with lysine, which is basic and polar, at codon 368 of the PKHD1 protein (p.Glu368Lys). This variant is not present in population databases (gnomAD no frequency). This variant has not been reported in the literature in individuals affected with PKHD1-related conditions. ClinVar contains an entry for this variant (Variation ID: 1938610). Invitae Evidence Modeling of protein sequence and biophysical properties (such as structural, functional, and spatial information, amino acid conservation, physicochemical variation, residue mobility, and thermodynamic stability) has been performed for this missense variant. However, the output from this modeling did not meet the statistical confidence thresholds required to predict the impact of this variant on PKHD1 protein function. In summary, the available evidence is currently insufficient to determine the role of this variant in disease. Therefore, it has been classified as a Variant of Uncertain Significance.